The following is an entry in ClinVar:

ClinVar aggregate classification (germline): Uncertain significance (1 of 4 stars; one submission).

Allele frequency attached by ClinVar (database versions not stated): gnomAD exomes below 0.00001; gnomAD 0.00001; TOPMed 0.00001.
gnomAD v4.1: 3 of 1,614,066 alleles (0.00019%); highest among the groups gnomAD compares: African/African-American, 0.004%; no homozygotes.

Submission:

Labcorp Genetics (formerly Invitae), Labcorp
Classification: Uncertain significance. Last evaluated: 2022-10-17. Review status: criteria provided, single submitter. Criteria: Invitae Variant Classification Sherloc (09022015). Collection method: clinical testing. Allele origin: germline.
Comment: In summary, the available evidence is currently insufficient to determine the role of this variant in disease. Therefore, it has been classified as a Variant of Uncertain Significance. Advanced modeling of protein sequence and biophysical properties (such as structural, functional, and spatial information, amino acid conservation, physicochemical variation, residue mobility, and thermodynamic stability) performed at Invitae indicates that this missense variant is not expected to disrupt MYH3 protein function. This variant has not been reported in the literature in individuals affected with MYH3-related conditions. This variant is present in population databases (no rsID available, gnomAD 0.007%). This sequence change replaces aspartic acid, which is acidic and polar, with glycine, which is neutral and non-polar, at codon 1085 of the MYH3 protein (p.Asp1085Gly).

NM_002470.4(MYH3):c.3254A>G (p.Asp1085Gly)

Gene: MYH3 (myosin heavy chain 3; minus strand). Cytogenetic location: 17p13.1.
Variant type: single nucleotide variant.
Coding change: c.3254A>G on transcript NM_002470.4 (MANE Select); coding-DNA position 3254, A replaced by G.
Protein change: p.Asp1085Gly; replaces aspartic acid 1085 with glycine.
Molecular consequence: missense variant.
Genome position (GRCh38, 1-based): chr17:10,638,958, T>C on the plus strand (A>G on the coding strand, the complement: MYH3 is on the minus strand). VCF-style: chr17-10638958-T-C. GRCh37 (hg19) VCF-style: chr17-10542275-T-C.
Other names: short protein forms D1085G.
Identifiers: ClinVar variation 2114238 (VCV002114238.4), dbSNP rs1383306209, ClinGen allele CA398153798.